The following is an entry in ClinVar:

ClinVar aggregate classification (germline): Uncertain significance (1 of 4 stars; one submission).

Submission:

Women's Health and Genetics/Laboratory Corporation of America, LabCorp
Classification: Uncertain significance. Last evaluated: 2023-03-21. Review status: criteria provided, single submitter. Criteria: LabCorp Variant Classification Summary - May 2015. Collection method: clinical testing. Allele origin: germline.
Comment: Variant summary: The variant identified by MLPA or other technology involves the duplication of exons 4-6, the last three exons of SDHC. The exact breakpoint at the 3' end of this variant is unknown and therefore this duplication might extend beyond the assayed region of the SDHC gene. A presumed nomenclature of c.(179+1_180-1)_(*2319_?)dup has been designated for the purposes of this classification. It has been assumed that this is a tandem duplication in direct orientation (Richardson_GIM_2018, Newman_AJHG_2015). Since the exact breakpoints of this duplication are not known, it is not possible to predict the protein level effect of this duplication. The variant was absent in 21694 control chromosomes (gnomAD, structural variants dataset). The available data on variant occurrences in the general population are insufficient to allow any conclusion about variant significance. To our knowledge, no occurrence of c.(179+1_180-1)_(*2319_?)dup in individuals affected with Hereditary Paraganglioma-Pheochromocytoma Syndrome and no experimental evidence demonstrating its impact on protein function have been reported. One clinical diagnostic laboratory has submitted a clinical-significance assessment for this variant to ClinVar after 2014 and classified the variant as uncertain significance. Based on the evidence outlined above, the variant was classified as uncertain significance.

NC_000001.10:g.(161298288_161310383)_(161334542_?)dup

Genes: CFAP126 (cilia and flagella associated protein 126; minus strand), SDHC (succinate dehydrogenase complex subunit C; plus strand). Cytogenetic location: 1q23.3.
Variant type: Duplication.
Identifiers: ClinVar variation 2501138 (VCV002501138.1).